The following is an entry in ClinVar:

NM_002439.5(MSH3):c.2690C>G (p.Pro897Arg)

Gene: MSH3 (mutS homolog 3; plus strand). Cytogenetic location: 5q14.1.
Variant type: single nucleotide variant.
Coding change: c.2690C>G on transcript NM_002439.5 (MANE Select); coding-DNA position 2690, C replaced by G.
Protein change: p.Pro897Arg; replaces proline 897 with arginine.
Molecular consequence: missense variant.
Genome position (GRCh38, 1-based): chr5:80,813,618, C>G. VCF-style: chr5-80813618-C-G. GRCh37 (hg19) VCF-style: chr5-80109437-C-G.
Other names: c.2690C>G (NM_002439.3); short protein forms P897R.
Identifiers: ClinVar variation 848314 (VCV000848314.14), dbSNP rs1163941898, ClinGen allele CA360273874.

ClinVar aggregate classification (germline): Uncertain significance. Review status: criteria provided, multiple submitters, no conflicts (2 of 4 stars). 2 submissions from 2 submitters: Uncertain significance (2). Last evaluated 2024-06-05.

Conditions:
Hereditary cancer-predisposing syndrome. Also called: Tumor predisposition; Neoplastic Syndromes, Hereditary; Hereditary neoplastic syndrome; Hereditary Cancer Syndrome. Identifiers: Orphanet 140162, MedGen C0027672, MeSH D009386, MONDO:0015356.

Allele frequency attached by ClinVar (database versions not stated): gnomAD 0.00001; TOPMed 0.00001.
gnomAD v4.1: 1 of 1,613,892 alleles (0.000062%); highest among the groups gnomAD compares: African/African-American, 0.0013%; no homozygotes.

Submissions (2):

Labcorp Genetics (formerly Invitae), Labcorp
Classification: Uncertain significance. Last evaluated: 2024-06-05. Review status: criteria provided, single submitter. Criteria: Invitae Variant Classification Sherloc (09022015). Collection method: clinical testing. Allele origin: germline.
Comment: This sequence change replaces proline, which is neutral and non-polar, with arginine, which is basic and polar, at codon 897 of the MSH3 protein (p.Pro897Arg). This variant is present in population databases (no rsID available, gnomAD 0.01%). This variant has not been reported in the literature in individuals affected with MSH3-related conditions. ClinVar contains an entry for this variant (Variation ID: 848314). An algorithm developed to predict the effect of missense changes on protein structure and function (PolyPhen-2) suggests that this variant is likely to be disruptive. In summary, the available evidence is currently insufficient to determine the role of this variant in disease. Therefore, it has been classified as a Variant of Uncertain Significance.

Ambry Genetics
Classification: Uncertain significance for Hereditary cancer-predisposing syndrome. Last evaluated: 2023-06-01. Review status: criteria provided, single submitter. Criteria: Ambry Variant Classification Scheme 2023. Collection method: clinical testing. Allele origin: germline.
Comment: The p.P897R variant (also known as c.2690C>G), located in coding exon 20 of the MSH3 gene, results from a C to G substitution at nucleotide position 2690. The proline at codon 897 is replaced by arginine, an amino acid with dissimilar properties. This amino acid position is conserved. In addition, this alteration is predicted to be deleterious by in silico analysis. Since supporting evidence is limited at this time, the clinical significance of this alteration remains unclear.